The following is an entry in ClinVar:

NM_153757.4(NAP1L5):c.420G>A (p.Glu140=)

Genes: NAP1L5 (nucleosome assembly protein 1 like 5; minus strand), HERC3 (HECT and RLD domain containing E3 ubiquitin protein ligase 3; plus strand). Cytogenetic location: 4q22.1.
Variant type: single nucleotide variant.
Coding change: c.420G>A on transcript NM_153757.4 (MANE Select); coding-DNA position 420, G replaced by A.
Protein change: p.Glu140=; no amino-acid change (glutamic acid 140 retained).
Molecular consequence: synonymous variant. On other transcripts: intron variant (9).
Genome position (GRCh38, 1-based): chr4:88,697,335, C>T on the plus strand (G>A on the coding strand, the complement: NAP1L5 is on the minus strand). VCF-style: chr4-88697335-C-T. GRCh37 (hg19) VCF-style: chr4-89618486-C-T.
Other names: c.2280-6763C>T (NM_001375477.1); c.2118-6763C>T (NM_001375481.1); c.2634-6763C>T (NM_001375483.1, NM_001375482.1, NM_001375479.1 and 1 more transcripts); c.2658-6763C>T (NM_014606.3); c.2655-6763C>T (NM_001375480.1); c.2304-6763C>T (NM_001271602.2).
Identifiers: ClinVar variation 5039619 (VCV005039619.1).
Genomic context (GRCh38, chr4:88,697,335, plus strand): 5'-CGCAGCCTCCTCCTCCTCCTCGTCTTCCCCCTCCTCCTCGTCATCCTCGTACTCCTCTTC[C>T]TCCTCCTCCTCCCCCTCCAAGGTCCATGCACACCCCTCCATCTCGCCGGTGAGCTCTTGG-3'
Protein context (NP_715638.1, residues 130-150): CAWTLEGEEE[Glu140=]EEEYEDDEEE

ClinVar aggregate classification (germline): Likely benign (1 of 4 stars; one submission).

gnomAD v4.1: 14 of 1,605,220 alleles (0.00087%); highest among the groups gnomAD compares: Non-Finnish European, 0.00068%; no homozygotes.

Submission:

CeGaT Center for Human Genetics Tuebingen
Classification: Likely benign. Last evaluated: 2026-08-01. Review status: criteria provided, single submitter. Criteria: CeGaT Center For Human Genetics Tuebingen Variant Classification Criteria Version 2. Collection method: clinical testing. Allele origin: germline. Affected: yes. Observed: 1 variant allele.
Comment: NAP1L5: BP4, BP7